The following is an entry in ClinVar:

ClinVar aggregate classification (germline): Conflicting classifications of pathogenicity. Review status: criteria provided, conflicting classifications (1 of 4 stars). 3 submissions from 3 submitters: Uncertain significance (1); Likely benign (2). Last evaluated 2026-02-01.

Conditions:
Inborn genetic diseases. Identifiers: MedGen C0950123, MeSH D030342.

Allele frequency attached by ClinVar (database versions not stated): TOPMed 0.00001; gnomAD 0.00004; gnomAD exomes 0.00008; ExAC 0.00013.
gnomAD v4.1: 119 of 1,614,122 alleles (0.0074%); highest among the groups gnomAD compares: South Asian, 0.12%; 1 homozygote.

Submissions (3):

CeGaT Center for Human Genetics Tuebingen
Classification: Likely benign. Last evaluated: 2026-02-01. Review status: criteria provided, single submitter. Criteria: CeGaT Center For Human Genetics Tuebingen Variant Classification Criteria Version 2. Collection method: clinical testing. Allele origin: germline. Affected: yes. Observed: 1 variant allele.
Comment: LRP6: BS1

Labcorp Genetics (formerly Invitae), Labcorp
Classification: Likely benign. Last evaluated: 2024-01-09. Review status: criteria provided, single submitter. Criteria: Invitae Variant Classification Sherloc (09022015). Collection method: clinical testing. Allele origin: germline.

Ambry Genetics
Classification: Uncertain significance for Inborn genetic diseases. Last evaluated: 2021-09-01. Review status: criteria provided, single submitter. Criteria: Ambry Variant Classification Scheme 2023. Collection method: clinical testing. Allele origin: germline.

NM_002336.3(LRP6):c.3460G>A (p.Glu1154Lys)

Gene: LRP6 (LDL receptor related protein 6; minus strand). Cytogenetic location: 12p13.2.
Variant type: single nucleotide variant.
Coding change: c.3460G>A on transcript NM_002336.3 (MANE Select); coding-DNA position 3460, G replaced by A.
Protein change: p.Glu1154Lys; replaces glutamic acid 1154 with lysine.
Molecular consequence: missense variant.
Genome position (GRCh38, 1-based): chr12:12,138,472, C>T on the plus strand (G>A on the coding strand, the complement: LRP6 is on the minus strand). VCF-style: chr12-12138472-C-T. GRCh37 (hg19) VCF-style: chr12-12291406-C-T.
Other names: c.3460G>A, p.Glu1154Lys (NM_001414245.1, NM_001414246.1, NM_001414248.1 and 3 more transcripts); c.3262G>A, p.Glu1088Lys (NM_001414247.1); c.3007G>A, p.Glu1003Lys (NM_001414252.1, NM_001414253.1, NM_001414254.1); c.3553G>A, p.Glu1185Lys (NM_001414244.1); c.2953G>A, p.Glu985Lys (NM_001414255.1); short protein forms E1003K, E1154K, E985K, E1185K, E1088K.
Identifiers: ClinVar variation 1929709 (VCV001929709.10), dbSNP rs779768114, ClinGen allele CA6455193.